The following is an entry in ClinVar:

ClinVar aggregate classification (germline): Benign. Review status: criteria provided, multiple submitters, no conflicts (2 of 4 stars). 13 submissions from 13 submitters: Benign (11). 2 of the submissions do not count toward it. Last evaluated 2026-02-04.

Conditions:
Familial thoracic aortic aneurysm and aortic dissection (TAAD). Also called: Thoracic aortic aneurysms and dissections. Identifiers: Orphanet 91387, MedGen C4707243, MONDO:0019625.
Congenital contractural arachnodactyly (CCA). Also called: Arthrogryposis, distal, type 9; Beals-Hecht syndrome; BEALS SYNDROME. Identifiers: Orphanet 115, MedGen C0220668, MONDO:0007363, OMIM 121050.

Allele frequency attached by ClinVar (database versions not stated): gnomAD exomes 0.07887 and 0.08335; ExAC 0.09200; 1000 Genomes Project 0.09944; 1000 Genomes Project 30x 0.09963; TOPMed 0.10293; gnomAD 0.10362 and 0.10581; ESP Exome Variant Server 0.11449.
gnomAD v4.1: 137,029 of 1,609,328 alleles (8.5%); highest among the groups gnomAD compares: African/African-American, 17%; 6,385 homozygotes.

Submissions (13):

Labcorp Genetics (formerly Invitae), Labcorp
Classification: Benign for Congenital contractural arachnodactyly. Last evaluated: 2026-02-04. Review status: criteria provided, single submitter. Criteria: Invitae Variant Classification Sherloc (09022015). Collection method: clinical testing. Allele origin: germline.

ARUP Laboratories, Molecular Genetics and Genomics, ARUP Laboratories
Classification: Benign. Last evaluated: 2025-07-29. Review status: criteria provided, single submitter. Criteria: ARUP Molecular Germline Variant Investigation Process 2024. Collection method: clinical testing. Allele origin: germline.

Blueprint Genetics
Classification: Benign. Last evaluated: 2024-11-26. Review status: criteria provided, single submitter. Criteria: ACMG Guidelines, 2015. Collection method: clinical testing. Allele origin: germline.

Women's Health and Genetics/Laboratory Corporation of America, LabCorp
Classification: Benign. Last evaluated: 2023-07-21. Review status: criteria provided, single submitter. Criteria: LabCorp Variant Classification Summary - May 2015. Collection method: clinical testing. Allele origin: germline.

Illumina Laboratory Services, Illumina
Classification: Benign for Congenital contractural arachnodactyly. Last evaluated: 2018-01-12. Review status: criteria provided, single submitter. Criteria: ICSL Variant Classification Criteria 13 December 2019. Collection method: clinical testing. Allele origin: germline.
Comment: This variant was observed in the ICSL laboratory as part of a predisposition screen in an ostensibly healthy population. It had not been previously curated by ICSL or reported in the Human Gene Mutation Database (HGMD: prior to June 1st, 2018), and was therefore a candidate for classification through an automated scoring system. Utilizing variant allele frequency, disease prevalence and penetrance estimates, and inheritance mode, an automated score was calculated to assess if this variant is too frequent to cause the disease. Based on the score and internal cut-off values, a variant classified as benign is not then subjected to further curation. The score for this variant resulted in a classification of benign for this disease.

Genome Diagnostics Laboratory, University Medical Center Utrecht
Classification: Benign for Congenital contractural arachnodactyly. Last evaluated: 2017-07-28. Review status: criteria provided, single submitter. Criteria: ACGS Guidelines, 2013. Collection method: clinical testing. Allele origin: germline. Affected: yes. Study: VKGL Data-share Consensus.

Ambry Genetics
Classification: Benign for Familial thoracic aortic aneurysm and aortic dissection. Last evaluated: 2014-11-25. Review status: criteria provided, single submitter. Criteria: Ambry Variant Classification Scheme 2023. Collection method: clinical testing. Allele origin: germline.

Mayo Clinic Laboratories, Mayo Clinic
Classification: Benign. Last evaluated: 2014-02-26. Review status: criteria provided, single submitter. Criteria: ACMG Guidelines, 2015. Collection method: clinical testing. Allele origin: germline. Observed: 255 variant alleles.

Laboratory for Molecular Medicine, Mass General Brigham Personalized Medicine
Classification: Benign. Last evaluated: 2013-04-04. Review status: criteria provided, single submitter. Criteria: LMM Criteria. Collection method: clinical testing. Allele origin: germline. Observed: 2 variant alleles.
Comment: Pro61Pro in exon 1 of FBN2: This variant is not expected to have clinical signif icance because it does not alter an amino acid residue and is not located within the splice consensus sequence. It has been identified in 17.0% (745/4394) of Af rican American chromosomes from a broad population by the NHLBI Exome Sequencing Project (dbSNP rs73348287).

GeneDx
Classification: Benign. Last evaluated: 2012-11-16. Review status: criteria provided, single submitter. Criteria: GeneDx Variant Classification (06012015). Collection method: clinical testing. Allele origin: germline. Affected: yes.
Comment: This variant is considered likely benign or benign based on one or more of the following criteria: it is a conservative change, it occurs at a poorly conserved position in the protein, it is predicted to be benign by multiple in silico algorithms, and/or has population frequency not consistent with disease.

PreventionGenetics, part of Exact Sciences
Classification: Benign. Review status: criteria provided, single submitter. Criteria: ACMG Guidelines, 2015. Collection method: clinical testing. Allele origin: germline.

Genome Diagnostics Laboratory, Amsterdam University Medical Center
Classification: Benign for Congenital contractural arachnodactyly. Last evaluated: 2014-11-19. Review status: no assertion criteria provided. Criteria: ACGS Guidelines, 2013. Collection method: clinical testing. Allele origin: germline. Affected: yes. Study: VKGL Data-share Consensus. Not counted in ClinVar's aggregate classification.

Genetic Services Laboratory, University of Chicago
Classification: Likely benign for AllHighlyPenetrant. Review status: no assertion criteria provided. Collection method: clinical testing. Allele origin: germline. Inheritance: Autosomal dominant inheritance. Not counted in ClinVar's aggregate classification.
Comment: Likely benign based on allele frequency in 1000 Genomes Project or ESP global frequency and its presence in a patient with a rare or unrelated disease phenotype. NOT Sanger confirmed.

NM_001999.4(FBN2):c.183C>G (p.Pro61=)

Gene: FBN2 (fibrillin 2; minus strand). Cytogenetic location: 5q23.3.
Variant type: single nucleotide variant.
Coding change: c.183C>G on transcript NM_001999.4 (MANE Select); coding-DNA position 183, C replaced by G.
Protein change: p.Pro61=; no amino-acid change (proline 61 retained).
Molecular consequence: synonymous variant.
Genome position (GRCh38, 1-based): chr5:128,537,421, G>C on the plus strand (C>G on the coding strand, the complement: FBN2 is on the minus strand). VCF-style: chr5-128537421-G-C. GRCh37 (hg19) VCF-style: chr5-127873114-G-C.
Other names: p.P61P:CCC>CCG; p.Pro61=.
Identifiers: ClinVar variation 129036 (VCV000129036.43), dbSNP rs73348287, ClinGen allele CA288812.